The following is an entry in ClinVar:

NM_017491.5(WDR1):c.1147A>G (p.Ser383Gly)

Gene: WDR1 (WD repeat domain 1; minus strand). Cytogenetic location: 4p16.1.
Variant type: single nucleotide variant.
Coding change: c.1147A>G on transcript NM_017491.5 (MANE Select); coding-DNA position 1147, A replaced by G.
Protein change: p.Ser383Gly; replaces serine 383 with glycine.
Molecular consequence: missense variant.
Genome position (GRCh38, 1-based): chr4:10,083,071, T>C on the plus strand (A>G on the coding strand, the complement: WDR1 is on the minus strand). VCF-style: chr4-10083071-T-C. GRCh37 (hg19) VCF-style: chr4-10084695-T-C.
Other names: p.Ser383Gly; c.727A>G, p.Ser243Gly (NM_005112.5); c.1147A>G (NM_017491.3); short protein forms S243G, S383G.
Identifiers: ClinVar variation 1373367 (VCV001373367.8), dbSNP rs777566578, ClinGen allele CA2857730.

ClinVar aggregate classification (germline): Uncertain significance. Review status: criteria provided, multiple submitters, no conflicts (2 of 4 stars). 3 submissions from 3 submitters: Uncertain significance (3). Last evaluated 2025-04-15.

Conditions:
Inborn genetic diseases. Identifiers: MedGen C0950123, MeSH D030342.

Allele frequency attached by ClinVar (database versions not stated): TOPMed below 0.00001; gnomAD 0.00001; gnomAD exomes 0.00002 and 0.00005; ExAC 0.00003.
gnomAD v4.1: 32 of 1,613,798 alleles (0.002%); highest among the groups gnomAD compares: South Asian, 0.027%; no homozygotes.

Submissions (3):

Ambry Genetics
Classification: Uncertain significance for Inborn genetic diseases. Last evaluated: 2025-04-15. Review status: criteria provided, single submitter. Criteria: Ambry Variant Classification Scheme 2023. Collection method: clinical testing. Allele origin: germline.

Mayo Clinic Laboratories, Mayo Clinic
Classification: Uncertain significance. Last evaluated: 2024-06-03. Review status: criteria provided, single submitter. Criteria: ACMG Guidelines, 2015. Collection method: clinical testing. Allele origin: germline. Observed: 1 variant allele.
Comment: BP4

Labcorp Genetics (formerly Invitae), Labcorp
Classification: Uncertain significance. Last evaluated: 2022-10-17. Review status: criteria provided, single submitter. Criteria: Invitae Variant Classification Sherloc (09022015). Collection method: clinical testing. Allele origin: germline.
Comment: In summary, the available evidence is currently insufficient to determine the role of this variant in disease. Therefore, it has been classified as a Variant of Uncertain Significance. Algorithms developed to predict the effect of missense changes on protein structure and function are either unavailable or do not agree on the potential impact of this missense change (SIFT: "Tolerated"; PolyPhen-2: "Probably Damaging"; Align-GVGD: "Class C0"). ClinVar contains an entry for this variant (Variation ID: 1373367). This variant has not been reported in the literature in individuals affected with WDR1-related conditions. This variant is present in population databases (rs777566578, gnomAD 0.04%). This sequence change replaces serine, which is neutral and polar, with glycine, which is neutral and non-polar, at codon 383 of the WDR1 protein (p.Ser383Gly).